The following is an entry in ClinVar:

ClinVar aggregate classification (germline): Uncertain significance (1 of 4 stars; one submission).

Submission:

Labcorp Genetics (formerly Invitae), Labcorp
Classification: Uncertain significance. Last evaluated: 2016-02-05. Review status: criteria provided, single submitter. Criteria: Invitae Variant Classification Sherloc (09022015). Collection method: clinical testing. Allele origin: germline.
Comment: In summary, this is a novel deletion with uncertain impact on protein function. It has been classified as a Variant of Uncertain Significance. While this particular variant has not been reported in the literature, truncating variants in GALNT12 are not necessarily pathogenic (PMID: 19617566), and the clinical significance of this variant is uncertain at this time. This variant is a gross deletion of the genomic region encompassing exons 4-5 of the GALNT12 gene. This creates a premature translational stop signal and is expected to result in an absent or disrupted protein product.

Literature cited by the submitters: PubMed 19617566.

NC_000009.11:g.(?_101594048)_(101597654_?)del

Gene: GALNT12 (polypeptide N-acetylgalactosaminyltransferase 12; plus strand). Cytogenetic location: 9q22.33.
Variant type: Deletion.
Identifiers: ClinVar variation 1042679 (VCV001042679.7).